The following is an entry in ClinVar:

ClinVar aggregate classification (germline): Benign/Likely benign. Review status: criteria provided, multiple submitters, no conflicts (2 of 4 stars). 2 submissions from 2 submitters: Benign (1); Likely benign (1). Last evaluated 2026-06-02.

Conditions:
Hereditary cancer-predisposing syndrome. Also called: Neoplastic Syndromes, Hereditary; Tumor predisposition; Hereditary Cancer Syndrome; Hereditary neoplastic syndrome. Identifiers: Orphanet 140162, MedGen C0027672, MeSH D009386, MONDO:0015356.
Gastrointestinal stromal tumor. Also called: Gastrointestinal stromal tumor, somatic; Gastrointestinal stroma tumor. Identifiers: Orphanet 44890, MedGen C0238198, MeSH D046152, MONDO:0011719, OMIM 606764, HP:0100723.

Submissions (2):

Myriad Genetics, Inc.
Classification: Benign for Gastrointestinal stromal tumor. Last evaluated: 2026-06-02. Review status: criteria provided, single submitter. Criteria: Myriad Autosomal Dominant, Autosomal Recessive and X-Linked Classification Criteria (2023). Collection method: clinical testing. Allele origin: unknown.
Comment: This variant is considered benign. This variant is a silent/synonymous amino acid change and it is not expected to impact splicing.

Ambry Genetics
Classification: Likely benign for Hereditary cancer-predisposing syndrome. Last evaluated: 2022-09-21. Review status: criteria provided, single submitter. Criteria: Ambry Variant Classification Scheme 2023. Collection method: clinical testing. Allele origin: germline.

NM_000222.3(KIT):c.75T>G (p.Ser25=)

Gene: KIT (KIT proto-oncogene, receptor tyrosine kinase; plus strand). Cytogenetic location: 4q12.
Variant type: single nucleotide variant.
Coding change: c.75T>G on transcript NM_000222.3 (MANE Select); coding-DNA position 75, T replaced by G.
Protein change: p.Ser25=; no amino-acid change (serine 25 retained).
Molecular consequence: synonymous variant.
Genome position (GRCh38, 1-based): chr4:54,695,519, T>G. VCF-style: chr4-54695519-T-G. GRCh37 (hg19) VCF-style: chr4-55561685-T-G.
Other names: c.75T>G, p.Ser25= (NM_001093772.2, NM_001385284.1, NM_001385285.1 and 4 more transcripts).
Identifiers: ClinVar variation 1759757 (VCV001759757.3), dbSNP rs2475439978, ClinGen allele CA439288023.